The following is an entry in ClinVar:

GRCh38/hg38 22q11.21(chr22:18178957-21151128)x3

Genes: AIFM3 (AIF family member 3; plus strand), ARVCF (ARVCF delta catenin family member; minus strand), C22orf39 (chromosome 22 open reading frame 39; minus strand), CCDC188 (coiled-coil domain containing 188; minus strand), CDC45 (cell division cycle 45; plus strand) and 186 more. Cytogenetic location: 22q11.21.
Variant type: copy number gain.
Change: copy number 3 (three copies instead of two) of chr22:18,178,957-21,151,128 (2.97 Mb, GRCh38 coordinates, 1-based), cytogenetic band 22q11.21.
Identifiers: ClinVar variation 161042 (VCV000161042.1).

ClinVar aggregate classification (germline): Pathogenic (1 of 4 stars; one submission).

Submission:

ISCA site 4
Classification: Pathogenic. Last evaluated: 2011-08-12. Review status: criteria provided, single submitter. Criteria: Kaminsky et al. (Genet Med. 2011). Collection method: clinical testing. Allele origin: unknown. Affected: yes. Observed: 1 variant allele.
Comment: Copy number variation identified through the course of routine clinical cytogenomic testing in postnatal populations. Clinical assertions have been curated as described in Kaminsky et al. 2011.